The following is an entry in ClinVar:

NM_032119.4(ADGRV1):c.13714A>T (p.Ile4572Phe)

Gene: ADGRV1 (adhesion G protein-coupled receptor V1; plus strand). Cytogenetic location: 5q14.3.
Variant type: single nucleotide variant.
Coding change: c.13714A>T on transcript NM_032119.4 (MANE Select); coding-DNA position 13714, A replaced by T.
Protein change: p.Ile4572Phe; replaces isoleucine 4572 with phenylalanine.
Molecular consequence: missense variant. On other transcripts: non-coding transcript variant (1).
Genome position (GRCh38, 1-based): chr5:90,788,131, A>T. VCF-style: chr5-90788131-A-T. GRCh37 (hg19) VCF-style: chr5-90083948-A-T.
Other names: short protein forms I4572F.
Identifiers: ClinVar variation 163615 (VCV000163615.9), dbSNP rs727503082, ClinGen allele CA176237.
Genomic context (GRCh38, chr5:90,788,131, plus strand): 5'-GTGAACTGGGAGACAGTAGGACCCAACTCTCAAGAAGCCTTACTGCCACAGAATAGAGAC[A>T]TTGCAGACCCAGTGAGCGGGTTGTTCTATTTTGGAGAAGGAGAAGGAGGAGTGAGAACCA-3'
Protein context (NP_115495.3, residues 4562-4582): QEALLPQNRD[Ile4572Phe]ADPVSGLFYF

ClinVar aggregate classification (germline): Conflicting classifications of pathogenicity. Review status: criteria provided, conflicting classifications (1 of 4 stars). 2 submissions from 2 submitters: Uncertain significance (1); Likely benign (1). Last evaluated 2021-08-14.

Allele frequency attached by ClinVar (database versions not stated): TOPMed 0.00001.
gnomAD v4.1: 2 of 1,613,578 alleles (0.00012%); highest among the groups gnomAD compares: Non-Finnish European, 0.00017%; no homozygotes.

Submissions (2):

Labcorp Genetics (formerly Invitae), Labcorp
Classification: Uncertain significance. Last evaluated: 2021-08-14. Review status: criteria provided, single submitter. Criteria: Invitae Variant Classification Sherloc (09022015). Collection method: clinical testing. Allele origin: germline.
Comment: This sequence change replaces isoleucine with phenylalanine at codon 4572 of the ADGRV1 protein (p.Ile4572Phe). The isoleucine residue is weakly conserved and there is a small physicochemical difference between isoleucine and phenylalanine. This variant is present in population databases (rs727503082, ExAC 0.002%). This variant has not been reported in the literature in individuals affected with ADGRV1-related conditions. ClinVar contains an entry for this variant (Variation ID: 163615). Algorithms developed to predict the effect of missense changes on protein structure and function output the following: SIFT: "Tolerated"; PolyPhen-2: "Benign"; Align-GVGD: "Class C0". The phenylalanine amino acid residue is found in multiple mammalian species, which suggests that this missense change does not adversely affect protein function. In summary, the available evidence is currently insufficient to determine the role of this variant in disease. Therefore, it has been classified as a Variant of Uncertain Significance.

Laboratory for Molecular Medicine, Mass General Brigham Personalized Medicine
Classification: Likely benign. Last evaluated: 2013-06-08. Review status: criteria provided, single submitter. Criteria: LMM Criteria. Collection method: clinical testing. Allele origin: germline. Observed: 1 variant allele.
Comment: Ile4572Phe in exon 68 of GPR98: This variant is not expected to have clinical si gnificance due to a lack of conservation across species, including mammals. Of n ote, mouse, rat, kangaroo rat, guinea pig and other distance species have a phen ylalanine at this position despite high nearby amino acid conservation. In addit ion, computational analyses (PolyPhen2, SIFT, AlignGVGD) do not suggest a high l ikelihood of impact to the protein.